The following is an entry in ClinVar:

NM_014822.4(SEC24D):c.1340A>T (p.Asp447Val)

Gene: SEC24D (SEC24 homolog D, COPII component; minus strand). Cytogenetic location: 4q26.
Variant type: single nucleotide variant.
Coding change: c.1340A>T on transcript NM_014822.4 (MANE Select); coding-DNA position 1340, A replaced by T.
Protein change: p.Asp447Val; replaces aspartic acid 447 with valine.
Molecular consequence: missense variant.
Genome position (GRCh38, 1-based): chr4:118,757,802, T>A on the plus strand (A>T on the coding strand, the complement: SEC24D is on the minus strand). VCF-style: chr4-118757802-T-A. GRCh37 (hg19) VCF-style: chr4-119678957-T-A.
Other names: c.1343A>T, p.Asp448Val (NM_001318066.2); short protein forms D447V, D448V.
Identifiers: ClinVar variation 1396104 (VCV001396104.6), dbSNP rs1727177838, ClinGen allele CA358011530.

ClinVar aggregate classification (germline): Uncertain significance (1 of 4 stars; one submission).

gnomAD v4.1: 1 of 1,612,076 alleles (0.000062%); highest among the groups gnomAD compares: Non-Finnish European, 0.000085%; no homozygotes.

Submission:

Labcorp Genetics (formerly Invitae), Labcorp
Classification: Uncertain significance. Last evaluated: 2021-05-18. Review status: criteria provided, single submitter. Criteria: Invitae Variant Classification Sherloc (09022015). Collection method: clinical testing. Allele origin: germline.
Comment: This variant is not present in population databases (ExAC no frequency). In summary, the available evidence is currently insufficient to determine the role of this variant in disease. Therefore, it has been classified as a Variant of Uncertain Significance. Algorithms developed to predict the effect of missense changes on protein structure and function are either unavailable or do not agree on the potential impact of this missense change (SIFT: "Not Available"; PolyPhen-2: "Probably Damaging"; Align-GVGD: "Not Available"). This variant has not been reported in the literature in individuals with SEC24D-related conditions. This sequence change replaces aspartic acid with valine at codon 447 of the SEC24D protein (p.Asp447Val). The aspartic acid residue is highly conserved and there is a large physicochemical difference between aspartic acid and valine.